The following is an entry in ClinVar:

ClinVar aggregate classification (germline): Pathogenic/Likely pathogenic. Review status: criteria provided, multiple submitters, no conflicts (2 of 4 stars). 3 submissions from 3 submitters: Pathogenic (1); Likely pathogenic (2). Last evaluated 2024-07-01.

Conditions:
Citrullinemia, type II, adult-onset (CDAA). Also called: CITRIN DEFICIENCY, ADOLESCENT OR ADULT ONSET. Identifiers: Orphanet 247585, MedGen CN295299, MONDO:0011326, OMIM 603471.
Citrullinemia. Identifiers: Orphanet 187, MedGen C0175683, MONDO:0015991.
Citrin deficiency. Identifiers: Orphanet 247582, MedGen C1997910, MONDO:0016602.

Submissions (3):

Natera, Inc.
Classification: Likely pathogenic for Citrullinemia. Last evaluated: 2024-07-01. Review status: criteria provided, single submitter. Criteria: Natera Variant Classification Schema (03/2026). Collection method: clinical testing. Allele origin: germline.
Comment: The c.429_430delAA variant in SLC25A13 is a frameshift variant predicted to shift the reading frame beginning at codon 144 and leads to a stop codon 30 codons downstream. This variant is expected to result in nonsense mediated decay, truncation, or a dysfunctional protein product. This variant is rare in the general population with a frequency below the threshold expected for the associated phenotype(s). Given the available evidence, this variant is classified as Likely Pathogenic.

Baylor Genetics
Classification: Likely pathogenic for Citrullinemia, type II, adult-onset. Last evaluated: 2023-09-26. Review status: criteria provided, single submitter. Criteria: ACMG Guidelines, 2015. Collection method: clinical testing. Allele origin: unknown.

Labcorp Genetics (formerly Invitae), Labcorp
Classification: Pathogenic for Citrin deficiency. Last evaluated: 2022-10-07. Review status: criteria provided, single submitter. Criteria: Invitae Variant Classification Sherloc (09022015). Collection method: clinical testing. Allele origin: germline.
Comment: For these reasons, this variant has been classified as Pathogenic. ClinVar contains an entry for this variant (Variation ID: 1076508). This variant has not been reported in the literature in individuals affected with SLC25A13-related conditions. This variant is not present in population databases (gnomAD no frequency). This sequence change creates a premature translational stop signal (p.Arg144Thrfs*30) in the SLC25A13 gene. It is expected to result in an absent or disrupted protein product. Loss-of-function variants in SLC25A13 are known to be pathogenic (PMID: 10369257, 14680984, 27405544).

Literature cited by the submitters: PubMed 10369257 (cited by Labcorp Genetics (formerly Invitae), Labcorp); PubMed 14680984 (cited by Labcorp Genetics (formerly Invitae), Labcorp); PubMed 27405544 (cited by Labcorp Genetics (formerly Invitae), Labcorp).

NM_014251.3(SLC25A13):c.429_430del (p.Arg144fs)

Gene: SLC25A13 (solute carrier family 25 member 13; minus strand). Cytogenetic location: 7q21.3.
Variant type: Deletion.
Coding change: c.429_430del on transcript NM_014251.3 (MANE Select); coding-DNA positions 429 to 430, 2 bases deleted (AA; older notation c.429_430delAA).
Protein change: p.Arg144fs; shifts the reading frame from arginine 144.
Molecular consequence: frameshift variant. On other transcripts: non-coding transcript variant (1).
Genome position (GRCh38, 1-based): chr7:96,208,876-96,208,877, TT deleted on the plus strand (AA on the coding strand, the reverse complement: SLC25A13 is on the minus strand); deleting any 2 consecutive bases within chr7:96,208,876-96,208,880 gives the same sequence; the c. name uses the placement nearest the transcript's 3' end. VCF-style (leftmost placement, unchanged base first): chr7-96208875-CTT-C. GRCh37 (hg19) VCF-style: chr7-95838187-CTT-C.
Other names: c.429_430delAA (NM_014251.2); c.429_430del, p.Arg144fs (NM_001160210.2); short protein forms R144fs.
Identifiers: ClinVar variation 1076508 (VCV001076508.9), dbSNP rs2116717319, ClinGen allele CA2499219087.